The following is an entry in ClinVar:

ClinVar aggregate classification (germline): Uncertain significance (1 of 4 stars; one submission).

gnomAD v4.1: 1 of 1,613,284 alleles (0.000062%); highest among the groups gnomAD compares: Non-Finnish European, 0.000085%; no homozygotes.

Submission:

GeneDx
Classification: Uncertain significance. Last evaluated: 2023-12-22. Review status: criteria provided, single submitter. Criteria: GeneDx Variant Classification Process June 2021. Collection method: clinical testing. Allele origin: germline. Affected: yes.
Comment: Not observed at significant frequency in large population cohorts (gnomAD); In silico analysis supports that this missense variant does not alter protein structure/function; Has not been previously published as pathogenic or benign to our knowledge

NM_015215.4(CAMTA1):c.1951G>T (p.Ala651Ser)

Gene: CAMTA1 (calmodulin binding transcription activator 1; plus strand). Cytogenetic location: 1p36.23.
Variant type: single nucleotide variant.
Coding change: c.1951G>T on transcript NM_015215.4 (MANE Select); coding-DNA position 1951, G replaced by T.
Protein change: p.Ala651Ser; replaces alanine 651 with serine.
Molecular consequence: missense variant.
Genome position (GRCh38, 1-based): chr1:7,664,498, G>T. VCF-style: chr1-7664498-G-T. GRCh37 (hg19) VCF-style: chr1-7724558-G-T.
Other names: c.1861G>T, p.Ala621Ser (NM_001349608.2, NM_001349612.2); c.1951G>T, p.Ala651Ser (NM_001349609.2, NM_001349610.2, NM_001410737.1); c.1879G>T, p.Ala627Ser (NM_001410738.1); short protein forms A621S, A627S, A651S.
Identifiers: ClinVar variation 3365940 (VCV003365940.1).